The following is an entry in ClinVar:

ClinVar aggregate classification (germline): Uncertain significance (1 of 4 stars; one submission).

Allele frequency attached by ClinVar (database versions not stated): gnomAD exomes below 0.00001.
gnomAD v4.1: 1 of 1,211,423 alleles (0.000083%); no homozygotes.

Submission:

GeneDx
Classification: Uncertain significance. Last evaluated: 2022-09-07. Review status: criteria provided, single submitter. Criteria: GeneDx Variant Classification Process June 2021. Collection method: clinical testing. Allele origin: germline. Affected: yes.
Comment: In silico analysis supports that this missense variant has a deleterious effect on protein structure/function; Not observed at significant frequency in large population cohorts (gnomAD); Has not been previously published as pathogenic or benign to our knowledge

NM_003611.3(OFD1):c.2714T>C (p.Leu905Ser)

Gene: OFD1 (OFD1 centriole and centriolar satellite protein; plus strand). Cytogenetic location: Xp22.2.
Variant type: single nucleotide variant.
Coding change: c.2714T>C on transcript NM_003611.3 (MANE Select); coding-DNA position 2714, T replaced by C.
Protein change: p.Leu905Ser; replaces leucine 905 with serine.
Molecular consequence: missense variant.
Genome position (GRCh38, 1-based): chrX:13,767,241, T>C. VCF-style: chrX-13767241-T-C. GRCh37 (hg19) VCF-style: chrX-13785360-T-C.
Other names: c.2594T>C, p.Leu865Ser (NM_001330209.2); c.2294T>C, p.Leu765Ser (NM_001330210.2); short protein forms L765S, L865S, L905S.
Identifiers: ClinVar variation 2443489 (VCV002443489.1), dbSNP rs2518991133, ClinGen allele CA412311839.